The following is an entry in ClinVar:

NM_139276.3(STAT3):c.1181T>C (p.Met394Thr)

Gene: STAT3 (signal transducer and activator of transcription 3; minus strand). Cytogenetic location: 17q21.2.
Variant type: single nucleotide variant.
Coding change: c.1181T>C on transcript NM_139276.3 (MANE Select); coding-DNA position 1181, T replaced by C.
Protein change: p.Met394Thr; replaces methionine 394 with threonine.
Molecular consequence: missense variant.
Genome position (GRCh38, 1-based): chr17:42,329,606, A>G on the plus strand (T>C on the coding strand, the complement: STAT3 is on the minus strand). VCF-style: chr17-42329606-A-G. GRCh37 (hg19) VCF-style: chr17-40481624-A-G.
Other names: c.1181T>C, p.Met394Thr (NM_001369512.1, NM_001369513.1, NM_001369514.1 and 12 more transcripts); c.1103T>C, p.Met368Thr (NM_001384985.1); c.1196T>C, p.Met399Thr (NM_001384986.1, NM_001384990.1); c.1085T>C, p.Met362Thr (NM_001384989.1); c.1121T>C, p.Met374Thr (NM_001384992.1); short protein forms M394T, M362T, M368T, M374T, M399T.
Identifiers: ClinVar variation 2925616 (VCV002925616.3), dbSNP rs2144773661, ClinGen allele CA399588925.

ClinVar aggregate classification (germline): Pathogenic (1 of 4 stars; one submission).

Conditions:
Hyper-IgE recurrent infection syndrome 1, autosomal dominant. Also called: STAT3 Hyper IgE Syndrome; Hyper-IgE recurrent infection syndrome 1; JOB SYNDROME; HYPER-IgE SYNDROME 1, AUTOSOMAL DOMINANT, WITH RECURRENT INFECTIONS; Job's Syndrome. Identifiers: Orphanet 2314, MedGen C2936739, MONDO:0007818, OMIM 147060.
STAT3 gain of function. Identifiers: MedGen C4288261.

Submission:

Labcorp Genetics (formerly Invitae), Labcorp
Classification: Pathogenic for STAT3 gain of function; Hyper-IgE recurrent infection syndrome 1, autosomal dominant. Last evaluated: 2024-12-02. Review status: criteria provided, single submitter. Criteria: Invitae Variant Classification Sherloc (09022015). Collection method: clinical testing. Allele origin: germline.
Comment: This sequence change replaces methionine, which is neutral and non-polar, with threonine, which is neutral and polar, at codon 394 of the STAT3 protein (p.Met394Thr). This variant is not present in population databases (gnomAD no frequency). This missense change has been observed in individual(s) with STAT3-related conditions (PMID: 25349174, 28579554). In at least one individual the variant was observed to be de novo. ClinVar contains an entry for this variant (Variation ID: 2925616). Invitae Evidence Modeling of protein sequence and biophysical properties (such as structural, functional, and spatial information, amino acid conservation, physicochemical variation, residue mobility, and thermodynamic stability) indicates that this missense variant is expected to disrupt STAT3 protein function with a positive predictive value of 80%. Experimental studies have shown that this missense change affects STAT3 function (PMID: 25349174, 28579554). For these reasons, this variant has been classified as Pathogenic.

Literature cited by the submitters: PubMed 25349174; PubMed 28579554.